The following is an entry in ClinVar:

NM_000211.5(ITGB2):c.706G>A (p.Gly236Arg)

Gene: ITGB2 (integrin subunit beta 2; minus strand). Cytogenetic location: 21q22.3.
Variant type: single nucleotide variant.
Coding change: c.706G>A on transcript NM_000211.5 (MANE Select); coding-DNA position 706, G replaced by A.
Protein change: p.Gly236Arg; replaces glycine 236 with arginine.
Molecular consequence: missense variant.
Genome position (GRCh38, 1-based): chr21:44,901,527, C>T on the plus strand (G>A on the coding strand, the complement: ITGB2 is on the minus strand). VCF-style: chr21-44901527-C-T. GRCh37 (hg19) VCF-style: chr21-46321442-C-T.
Other names: c.706G>A (LRG_76t1); c.706G>A, p.Gly236Arg (NM_001127491.3); c.499G>A, p.Gly167Arg (NM_001303238.2); short protein forms G236R, G167R.
Identifiers: ClinVar variation 100759 (VCV000100759.4), dbSNP rs483352814, ClinGen allele CA249775.

ClinVar aggregate classification (germline): Likely pathogenic (0 of 4 stars; one submission).

Conditions:
Leukocyte adhesion deficiency 1 (LAD1). Also called: LEUKOCYTE ADHESION DEFICIENCY, TYPE I; LAD 1; Lymphocyte function-associated antigen 1 immunodeficiency; LFA 1 immunodeficiency. Identifiers: Orphanet 2968, Orphanet 99842, MedGen C0398738, MONDO:0007293, OMIM 116920.

Allele frequency attached by ClinVar (database versions not stated): gnomAD exomes below 0.00001.
gnomAD v4.1: 1 of 1,614,240 alleles (0.000062%); highest among the groups gnomAD compares: Non-Finnish European, 0.000085%; no homozygotes.

Submission:

Genomic Research Center, Shahid Beheshti University of Medical Sciences
Classification: Likely pathogenic for Leukocyte adhesion deficiency type 1. Review status: no assertion criteria provided. Collection method: not provided. Allele origin: inherited. Study: Mutation spectra of the ITGB2 gene in Iranian families with leukocyte adhesion deficiency type 1.
ClinVar note: Converted during submission from probable-pathogenic to Likely pathogenic.